The following is an entry in ClinVar:

NM_014000.3(VCL):c.160C>T (p.Leu54Phe)

Gene: VCL (vinculin; plus strand). Cytogenetic location: 10q22.2.
Variant type: single nucleotide variant.
Coding change: c.160C>T on transcript NM_014000.3 (MANE Select); coding-DNA position 160, C replaced by T.
Protein change: p.Leu54Phe; replaces leucine 54 with phenylalanine.
Molecular consequence: missense variant.
Genome position (GRCh38, 1-based): chr10:73,998,367, C>T. VCF-style: chr10-73998367-C-T. GRCh37 (hg19) VCF-style: chr10-75758125-C-T.
Other names: c.160C>T, p.Leu54Phe (NM_003373.4); short protein forms L54F.
Identifiers: ClinVar variation 2716180 (VCV002716180.3), dbSNP rs2549180873, ClinGen allele CA377255516.

ClinVar aggregate classification (germline): Uncertain significance (1 of 4 stars; one submission).

Conditions:
Dilated cardiomyopathy 1W (CMD1W). Identifiers: Orphanet 154, MedGen C1969639, MONDO:0012667, OMIM 611407.

Submission:

Labcorp Genetics (formerly Invitae), Labcorp
Classification: Uncertain significance for Dilated cardiomyopathy 1W. Last evaluated: 2023-06-15. Review status: criteria provided, single submitter. Criteria: Invitae Variant Classification Sherloc (09022015). Collection method: clinical testing. Allele origin: germline.
Comment: This sequence change replaces leucine, which is neutral and non-polar, with phenylalanine, which is neutral and non-polar, at codon 54 of the VCL protein (p.Leu54Phe). This variant is not present in population databases (gnomAD no frequency). In summary, the available evidence is currently insufficient to determine the role of this variant in disease. Therefore, it has been classified as a Variant of Uncertain Significance. An algorithm developed to predict the effect of missense changes on protein structure and function (PolyPhen-2) suggests that this variant is likely to be tolerated. This variant has not been reported in the literature in individuals affected with VCL-related conditions.